The following is an entry in ClinVar:

ClinVar aggregate classification (germline): Uncertain significance (1 of 4 stars; one submission).

Conditions:
Hereditary cancer-predisposing syndrome. Also called: Tumor predisposition; Hereditary Cancer Syndrome; Neoplastic Syndromes, Hereditary; Hereditary neoplastic syndrome. Identifiers: Orphanet 140162, MedGen C0027672, MeSH D009386, MONDO:0015356.

Allele frequency attached by ClinVar (database versions not stated): TOPMed below 0.00001; gnomAD 0.00001.

Submission:

Ambry Genetics
Classification: Uncertain significance for Hereditary cancer-predisposing syndrome. Last evaluated: 2022-03-06. Review status: criteria provided, single submitter. Criteria: Ambry Variant Classification Scheme 2023. Collection method: clinical testing. Allele origin: germline.
Comment: The p.E926K variant (also known as c.2776G>A), located in coding exon 24 of the POLE gene, results from a G to A substitution at nucleotide position 2776. The glutamic acid at codon 926 is replaced by lysine, an amino acid with similar properties. This amino acid position is conserved. In addition, the in silico prediction for this alteration is inconclusive. Since supporting evidence is limited at this time, the clinical significance of this alteration remains unclear.

NM_006231.4(POLE):c.2776G>A (p.Glu926Lys)

Gene: POLE (DNA polymerase epsilon, catalytic subunit; minus strand). Cytogenetic location: 12q24.33.
Variant type: single nucleotide variant.
Coding change: c.2776G>A on transcript NM_006231.4 (MANE Select); coding-DNA position 2776, G replaced by A.
Protein change: p.Glu926Lys; replaces glutamic acid 926 with lysine.
Molecular consequence: missense variant.
Genome position (GRCh38, 1-based): chr12:132,661,615, C>T on the plus strand (G>A on the coding strand, the complement: POLE is on the minus strand). VCF-style: chr12-132661615-C-T. GRCh37 (hg19) VCF-style: chr12-133238201-C-T.
Other names: short protein forms E926K.
Identifiers: ClinVar variation 1795854 (VCV001795854.2), dbSNP rs1452902479, ClinGen allele CA387393844.
Genomic context (GRCh38, chr12:132,661,615, plus strand): 5'-TGGAGGCTGGAAGAATCATGGCAAGGTAGGGCCCATCAACCTCAAAAAAGATGCTGTTCT[C>T]TGAGCGGGTGACGTAGGTGAGTGAGGACGGCTCAGCCAGCTCCTGGTACTGGTCATTGGT-3'
Protein context (NP_006222.2, residues 916-936): PSSLTYVTRS[Glu926Lys]NSIFFEVDGP